The following is an entry in ClinVar:

ClinVar aggregate classification (germline): Likely benign. Review status: reviewed by expert panel (3 of 4 stars). 10 submissions from 10 submitters: Likely benign (1). 9 of the submissions do not count toward it. Last evaluated 2017-06-29.

Conditions:
Breast-ovarian cancer, familial, susceptibility to, 1 (BROVCA1). Also called: BRCA1 Hereditary Breast and Ovarian Cancer; OVARIAN CANCER, SUSCEPTIBILITY TO. Identifiers: Orphanet 145, MedGen C2676676, MONDO:0011450, OMIM 604370. Disease mechanism: loss of function.
Hereditary breast ovarian cancer syndrome. Also called: Hereditary breast and ovarian cancer syndrome; Breast and ovarian cancer; Hereditary breast and ovarian cancer syndrome (HBOC); Hereditary breast and/or ovarian cancer syndrome; BRCA1- and BRCA2-Associated Hereditary Breast and Ovarian Cancer; Hereditary breast and ovarian cancer. Identifiers: Orphanet 145, MedGen C0677776, MeSH D061325, MONDO:0003582. Disease mechanism: loss of function.
Hereditary cancer-predisposing syndrome. Also called: Neoplastic Syndromes, Hereditary; Hereditary neoplastic syndrome; Hereditary Cancer Syndrome; Tumor predisposition. Identifiers: Orphanet 140162, MedGen C0027672, MeSH D009386, MONDO:0015356.

Allele frequency attached by ClinVar (database versions not stated): ExAC 0.00001; gnomAD 0.00001 and 0.00002; gnomAD exomes 0.00002; TOPMed 0.00004; ESP Exome Variant Server 0.00008.
gnomAD v4.1: 11 of 1,613,904 alleles (0.00068%); highest among the groups gnomAD compares: African/African-American, 0.0053%; no homozygotes.

Submissions (10):

Evidence-based Network for the Interpretation of Germline Mutant Alleles (ENIGMA)
Classification: Likely benign for Breast-ovarian cancer, familial, susceptibility to, 1. Last evaluated: 2017-06-29. Review status: reviewed by expert panel. Criteria: ENIGMA BRCA1/2 Classification Criteria (2017-06-29). Collection method: curation. Allele origin: germline.
Comment: Synonymous substitution variant, with low bioinformatic likelihood to result in a splicing aberration (Splicing prior probability 0.02).

Labcorp Genetics (formerly Invitae), Labcorp
Classification: Likely benign for Hereditary breast ovarian cancer syndrome. Last evaluated: 2026-01-25. Review status: criteria provided, single submitter. Criteria: Invitae Variant Classification Sherloc (09022015). Collection method: clinical testing. Allele origin: germline. Not counted in ClinVar's aggregate classification.

Quest Diagnostics Nichols Institute San Juan Capistrano
Classification: Likely benign. Last evaluated: 2023-03-09. Review status: criteria provided, single submitter. Criteria: Quest Diagnostics criteria. Collection method: clinical testing. Allele origin: unknown. Not counted in ClinVar's aggregate classification.

Blueprint Genetics
Classification: Likely benign. Last evaluated: 2022-08-09. Review status: criteria provided, single submitter. Criteria: ACMG Guidelines, 2015. Collection method: clinical testing. Allele origin: germline. Not counted in ClinVar's aggregate classification.

Women's Health and Genetics/Laboratory Corporation of America, LabCorp
Classification: Likely benign. Last evaluated: 2020-01-31. Review status: criteria provided, single submitter. Criteria: LabCorp Variant Classification Summary - May 2015. Collection method: clinical testing. Allele origin: germline. Not counted in ClinVar's aggregate classification.

ARUP Laboratories, Molecular Genetics and Genomics, ARUP Laboratories
Classification: Likely benign. Last evaluated: 2017-11-06. Review status: criteria provided, single submitter. Criteria: ARUP Molecular Germline Variant Investigation Process. Collection method: clinical testing. Allele origin: germline. Not counted in ClinVar's aggregate classification.

Color Diagnostics, LLC DBA Color Health
Classification: Likely benign for Hereditary cancer-predisposing syndrome. Last evaluated: 2017-04-26. Review status: criteria provided, single submitter. Criteria: ACMG Guidelines, 2015. Collection method: clinical testing. Allele origin: germline. Not counted in ClinVar's aggregate classification.

PreventionGenetics, part of Exact Sciences
Classification: Likely benign. Last evaluated: 2017-03-07. Review status: criteria provided, single submitter. Criteria: ACMG Guidelines, 2015. Collection method: clinical testing. Allele origin: germline. Not counted in ClinVar's aggregate classification.

GeneDx
Classification: Benign. Last evaluated: 2015-04-20. Review status: criteria provided, single submitter. Criteria: GeneDx Variant Classification (06012015). Collection method: clinical testing. Allele origin: germline. Affected: yes. Not counted in ClinVar's aggregate classification.
Comment: This variant is considered likely benign or benign based on one or more of the following criteria: it is a conservative change, it occurs at a poorly conserved position in the protein, it is predicted to be benign by multiple in silico algorithms, and/or has population frequency not consistent with disease.

Ambry Genetics
Classification: Likely benign for Hereditary cancer-predisposing syndrome. Last evaluated: 2015-02-06. Review status: criteria provided, single submitter. Criteria: Ambry Variant Classification Scheme 2023. Collection method: clinical testing. Allele origin: germline. Not counted in ClinVar's aggregate classification.

NM_007294.4(BRCA1):c.4635C>T (p.His1545=)

Gene: BRCA1 (BRCA1 DNA repair associated; minus strand). Cytogenetic location: 17q21.31.
Variant type: single nucleotide variant.
Coding change: c.4635C>T on transcript NM_007294.4 (MANE Select); coding-DNA position 4635, C replaced by T.
Protein change: p.His1545=; no amino-acid change (histidine 1545 retained).
Molecular consequence: synonymous variant. On other transcripts: intron variant (3).
Genome position (GRCh38, 1-based): chr17:43,074,371, G>A on the plus strand (C>T on the coding strand, the complement: BRCA1 is on the minus strand). VCF-style: chr17-43074371-G-A. GRCh37 (hg19) VCF-style: chr17-41226388-G-A.
Other names: c.4494C>T, p.His1498= (NM_007297.4, NM_001407692.1, NM_001407694.1 and 13 more transcripts); c.1323C>T, p.His441= (NM_007298.4, NM_007299.4, NM_007304.2 and 13 more transcripts); c.4698C>T, p.His1566= (NM_007300.4, NM_001407583.1, NM_001407585.1 and 1 more transcripts); c.836-3133C>T (NM_001408513.1); c.4214-3133C>T (NM_001407964.1); c.838+8033C>T (NM_001408514.1); c.4422C>T, p.His1474= (NM_001407571.1, NM_001407894.1, NM_001407895.1 and 12 more transcripts); c.4701C>T, p.His1567= (NM_001407581.1, NM_001407582.1); and 71 more.
Identifiers: ClinVar variation 377572 (VCV000377572.30), dbSNP rs373686790, ClinGen allele CA052594.